The following is an entry in ClinVar:

ClinVar aggregate classification (germline): Pathogenic (1 of 4 stars; one submission).

Conditions:
Gastrointestinal stromal tumor. Also called: Gastrointestinal stromal tumor, somatic; Gastrointestinal stroma tumor. Identifiers: Orphanet 44890, MedGen C0238198, MeSH D046152, MONDO:0011719, OMIM 606764, HP:0100723.

Submission:

Labcorp Genetics (formerly Invitae), Labcorp
Classification: Pathogenic for Gastrointestinal stromal tumor. Last evaluated: 2022-11-28. Review status: criteria provided, single submitter. Criteria: Invitae Variant Classification Sherloc (09022015). Collection method: clinical testing. Allele origin: germline.
Comment: For these reasons, this variant has been classified as Pathogenic. This sequence change creates a premature translational stop signal (p.Tyr418*) in the KIT gene. It is expected to result in an absent or disrupted protein product. Loss-of-function variants in KIT are known to be pathogenic (PMID: 15194144). This variant is not present in population databases (gnomAD no frequency). This variant has not been reported in the literature in individuals affected with KIT-related conditions.

Literature cited by the submitters: PubMed 15194144.

NM_000222.3(KIT):c.1253_1254insAA (p.Tyr418Ter)

Gene: KIT (KIT proto-oncogene, receptor tyrosine kinase; plus strand). Cytogenetic location: 4q12.
Variant type: Insertion.
Coding change: c.1253_1254insAA on transcript NM_000222.3 (MANE Select); coding-DNA positions 1253 to 1254, AA inserted.
Protein change: p.Tyr418Ter; replaces tyrosine 418 with a stop codon.
Molecular consequence: nonsense.
Genome position: GRCh38 VCF-style: chr4-54723604-T-TAA. GRCh37 (hg19) VCF-style: chr4-55589770-T-TAA.
Other names: c.1253_1254insAA, p.Tyr418Ter (NM_001093772.2, NM_001385285.1, NM_001385286.1); c.1256_1257insAA, p.Tyr419Ter (NM_001385284.1, NM_001385288.1, NM_001385290.1 and 1 more transcripts); short protein forms Y418*, Y419*.
Identifiers: ClinVar variation 2817055 (VCV002817055.3), dbSNP rs2475527014, ClinGen allele CA2739265886.
Genomic context (GRCh38, chr4:54,723,604, plus strand): 5'-TCCAGCACTCTGACATATGGCCATTTCTGTTTTCCTGTAGCAAAACCAGAAATCCTGACT[T>TAA]ACGACAGGCTCGTGAATGGCATGCTCCAATGTGTGGCAGCAGGATTCCCAGAGCCCACAA-3'